The following is an entry in ClinVar:

ClinVar aggregate classification (germline): Uncertain significance (1 of 4 stars; one submission).

Conditions:
Cohen syndrome (COH1). Also called: PEPPER SYNDROME; Cutis verticis gyrata, retinitis pigmentosa, and sensorineural deafness. Identifiers: Orphanet 193, MedGen C0265223, MONDO:0008999, OMIM 216550.

Submission:

Labcorp Genetics (formerly Invitae), Labcorp
Classification: Uncertain significance for Cohen syndrome. Last evaluated: 2020-12-17. Review status: criteria provided, single submitter. Criteria: Invitae Variant Classification Sherloc (09022015). Collection method: clinical testing. Allele origin: germline.
Comment: In summary, the available evidence is currently insufficient to determine the role of this variant in disease. Therefore, it has been classified as a Variant of Uncertain Significance. Algorithms developed to predict the effect of sequence changes on RNA splicing suggest that this variant may create or strengthen a splice site, but this prediction has not been confirmed by published transcriptional studies. This variant has not been reported in the literature in individuals with VPS13B-related conditions. This variant is not present in population databases (ExAC no frequency). This sequence change falls in intron 38 of the VPS13B gene. It does not directly change the encoded amino acid sequence of the VPS13B protein.

NM_152564.5(VPS13B):c.6866-14C>G

Gene: VPS13B (vacuolar protein sorting 13 homolog B; plus strand). Cytogenetic location: 8q22.2.
Variant type: single nucleotide variant.
Coding change: c.6866-14C>G on transcript NM_152564.5 (MANE Select); 14 bases into the intron before coding-DNA position 6866, C replaced by G.
Molecular consequence: intron variant.
Genome position (GRCh38, 1-based): chr8:99,720,849, C>G. VCF-style: chr8-99720849-C-G. GRCh37 (hg19) VCF-style: chr8-100733077-C-G.
Other names: c.6941-14C>G (NM_017890.5).
Identifiers: ClinVar variation 1466868 (VCV001466868.8), dbSNP rs1277958075, ClinGen allele CA2573143595.